The following is an entry in ClinVar:

NM_007227.3(GPR45):c.769G>A (p.Val257Met)

Gene: GPR45 (G protein-coupled receptor 45; plus strand). Cytogenetic location: 2q12.1.
Variant type: single nucleotide variant.
Coding change: c.769G>A on transcript NM_007227.3 (MANE Select); coding-DNA position 769, G replaced by A.
Protein change: p.Val257Met; replaces valine 257 with methionine.
Molecular consequence: missense variant.
Genome position (GRCh38, 1-based): chr2:105,242,627, G>A. VCF-style: chr2-105242627-G-A. GRCh37 (hg19) VCF-style: chr2-105859084-G-A.
Other names: short protein forms V257M.
Identifiers: ClinVar variation 2782030 (VCV002782030.4), dbSNP rs934984070, ClinGen allele CA348101183.

ClinVar aggregate classification (germline): Uncertain significance. Review status: criteria provided, multiple submitters, no conflicts (2 of 4 stars). 2 submissions from 2 submitters: Uncertain significance (2). Last evaluated 2025-08-29.

Submissions (2):

Ambry Genetics
Classification: Uncertain significance. Last evaluated: 2025-08-29. Review status: criteria provided, single submitter. Criteria: Ambry Variant Classification Scheme 2023. Collection method: clinical testing. Allele origin: germline.

Labcorp Genetics (formerly Invitae), Labcorp
Classification: Uncertain significance. Last evaluated: 2023-12-01. Review status: criteria provided, single submitter. Criteria: Invitae Variant Classification Sherloc (09022015). Collection method: clinical testing. Allele origin: germline.
Comment: This sequence change replaces valine, which is neutral and non-polar, with methionine, which is neutral and non-polar, at codon 257 of the GPR45 protein (p.Val257Met). The frequency data for this variant in the population databases is considered unreliable, as metrics indicate poor data quality at this position in the gnomAD database. This variant has not been reported in the literature in individuals affected with GPR45-related conditions. Algorithms developed to predict the effect of missense changes on protein structure and function output the following: SIFT: "Not Available"; PolyPhen-2: "Benign"; Align-GVGD: "Not Available". The methionine amino acid residue is found in multiple mammalian species, which suggests that this missense change does not adversely affect protein function. In summary, the available evidence is currently insufficient to determine the role of this variant in disease. Therefore, it has been classified as a Variant of Uncertain Significance.